The following is an entry in ClinVar:

ClinVar aggregate classification (germline): Uncertain significance. Review status: criteria provided, multiple submitters, no conflicts (2 of 4 stars). 2 submissions from 2 submitters: Uncertain significance (2). Last evaluated 2024-09-22.

Conditions:
Fanconi anemia complementation group J. Also called: BRIP1-Related Fanconi Anemia. Identifiers: Orphanet 84, MedGen C1836860, MONDO:0012187, OMIM 609054.
Familial cancer of breast. Also called: hereditary breast carcinoma; Hereditary breast cancer; BREAST CANCER, FAMILIAL. Identifiers: Orphanet 227535, MedGen C0346153, MONDO:0016419, OMIM 114480. Disease mechanism: loss of function.
Hereditary cancer-predisposing syndrome. Also called: Tumor predisposition; Hereditary neoplastic syndrome; Neoplastic Syndromes, Hereditary; Hereditary Cancer Syndrome. Identifiers: Orphanet 140162, MedGen C0027672, MeSH D009386, MONDO:0015356.

Submissions (2):

Ambry Genetics
Classification: Uncertain significance for Hereditary cancer-predisposing syndrome. Last evaluated: 2024-09-22. Review status: criteria provided, single submitter. Criteria: Ambry Variant Classification Scheme 2023. Collection method: clinical testing. Allele origin: germline.
Comment: The c.1140+3G>T intronic variant results from a G to T substitution 3 nucleotides after coding exon 7 in the BRIP1 gene. This nucleotide position is not well conserved in available vertebrate species. In silico splice site analysis predicts that this alteration will weaken the native splice donor site; however, direct evidence is insufficient at this time (Ambry internal data). Based on the available evidence, the clinical significance of this variant remains unclear.

Labcorp Genetics (formerly Invitae), Labcorp
Classification: Uncertain significance for Familial cancer of breast; Fanconi anemia complementation group J. Last evaluated: 2022-10-30. Review status: criteria provided, single submitter. Criteria: Invitae Variant Classification Sherloc (09022015). Collection method: clinical testing. Allele origin: germline.
Comment: This sequence change falls in intron 8 of the BRIP1 gene. It does not directly change the encoded amino acid sequence of the BRIP1 protein. It affects a nucleotide within the consensus splice site. This variant is not present in population databases (gnomAD no frequency). This variant has not been reported in the literature in individuals affected with BRIP1-related conditions. ClinVar contains an entry for this variant (Variation ID: 1504401). Variants that disrupt the consensus splice site are a relatively common cause of aberrant splicing (PMID: 17576681, 9536098). Algorithms developed to predict the effect of sequence changes on RNA splicing suggest that this variant may disrupt the consensus splice site. In summary, the available evidence is currently insufficient to determine the role of this variant in disease. Therefore, it has been classified as a Variant of Uncertain Significance.

Literature cited by the submitters: PubMed 17576681 (cited by Labcorp Genetics (formerly Invitae), Labcorp); PubMed 9536098 (cited by Labcorp Genetics (formerly Invitae), Labcorp).

NM_032043.3(BRIP1):c.1140+3G>T

Gene: BRIP1 (BRCA1 interacting DNA helicase 1; minus strand). Cytogenetic location: 17q23.2.
Variant type: single nucleotide variant.
Coding change: c.1140+3G>T on transcript NM_032043.3 (MANE Select); 3 bases into the intron after coding-DNA position 1140, G replaced by T.
Molecular consequence: intron variant.
Genome position (GRCh38, 1-based): chr17:61,801,250, C>A on the plus strand (G>T on the coding strand, the complement: BRIP1 is on the minus strand). VCF-style: chr17-61801250-C-A. GRCh37 (hg19) VCF-style: chr17-59878611-C-A.
Other names: c.1140+3G>T (NM_032043.2).
Identifiers: ClinVar variation 1504401 (VCV001504401.8), dbSNP rs1322162359, ClinGen allele CA2573154326.